The following is an entry in ClinVar:

ClinVar aggregate classification (germline): Uncertain significance. Review status: criteria provided, multiple submitters, no conflicts (2 of 4 stars). 3 submissions from 3 submitters: Uncertain significance (3). Last evaluated 2024-03-11.

Conditions:
Long QT syndrome 6 (LQT6). Identifiers: Orphanet 101016, Orphanet 768, MedGen C3150953, MONDO:0013370, OMIM 613693.
Cardiovascular phenotype. Identifiers: MedGen CN230736.

Submissions (3):

GeneDx
Classification: Uncertain significance. Last evaluated: 2024-03-11. Review status: criteria provided, single submitter. Criteria: GeneDx Variant Classification Process June 2021. Collection method: clinical testing. Allele origin: germline. Affected: yes.
Comment: Reported as A166G+169insATG in a patient with Long QT syndrome (LQTS) in published literature (PMID: 16414944); Not observed at significant frequency in large population cohorts (gnomAD); In-frame insertion of 1 amino acid in a non-repeat region; This variant is associated with the following publications: (PMID: 16414944)

Ambry Genetics
Classification: Uncertain significance for Cardiovascular phenotype. Last evaluated: 2023-11-16. Review status: criteria provided, single submitter. Criteria: Ambry Variant Classification Scheme 2023. Collection method: clinical testing. Allele origin: germline.
Comment: The c.163_165dupGTG variant (also known as p.V55dup), located in coding exon 1 of the KCNE2 gene, results from an in-frame duplication of GTG at nucleotide positions 163 to 165. This results in the duplication of an extra residue between codons 55 and 56. This amino acid position is highly conserved in available vertebrate species. In addition, this alteration is predicted to be deleterious by in silico analysis (Choi Y et al. PLoS ONE. 2012; 7(10):e46688). The evidence for this gene-disease relationship is limited; therefore, the clinical significance of this alteration is unclear.

Labcorp Genetics (formerly Invitae), Labcorp
Classification: Uncertain significance for Long QT syndrome 6. Last evaluated: 2021-12-17. Review status: criteria provided, single submitter. Criteria: Invitae Variant Classification Sherloc (09022015). Collection method: clinical testing. Allele origin: germline.
Comment: This variant, c.163_165dup, results in the insertion of 1 amino acid(s) of the KCNE2 protein (p.Val55dup), but otherwise preserves the integrity of the reading frame. In summary, the available evidence is currently insufficient to determine the role of this variant in disease. Therefore, it has been classified as a Variant of Uncertain Significance. Experimental studies and prediction algorithms are not available or were not evaluated, and the functional significance of this variant is currently unknown. This variant is also known as A166G+169insATG. This variant has been observed in individual(s) with clinical features of long-QT syndrome (PMID: 16414944). This variant is present in population databases (rs756730160, gnomAD 0.005%).

Literature cited by the submitters: PubMed 16414944 (cited by Labcorp Genetics (formerly Invitae), Labcorp).

NM_172201.2(KCNE2):c.163_165dup (p.Val55_Met56insVal)

Genes: KCNE2 (potassium voltage-gated channel subfamily E regulatory subunit 2; plus strand), LOC105372791 (uncharacterized LOC105372791; minus strand). Cytogenetic location: 21q22.11.
Variant type: Duplication.
Coding change: c.163_165dup on transcript NM_172201.2 (MANE Select); coding-DNA positions 163 to 165, 3 bases duplicated (GTG; older notation c.163_165dupGTG).
Protein change: p.Val55_Met56insVal.
Molecular consequence: inframe insertion.
Genome position (GRCh38, 1-based): chr21:34,370,641-34,370,643, GTG duplicated; duplicating any 3 consecutive bases within chr21:34,370,639-34,370,643 gives the same sequence; the c. name uses the placement nearest the transcript's 3' end. VCF-style (leftmost placement, unchanged base first): chr21-34370638-A-ATGG. GRCh37 (hg19) VCF-style: chr21-35742937-A-ATGG.
Other names: c.163_165dupGTG (NM_172201.1).
Identifiers: ClinVar variation 2038256 (VCV002038256.4), dbSNP rs756730160, ClinGen allele CA10013417.